The following is an entry in ClinVar:

NM_020166.5(MCCC1):c.1048A>G (p.Ile350Val)

Gene: MCCC1 (methylcrotonyl-CoA carboxylase subunit 1; minus strand). Cytogenetic location: 3q27.1.
Variant type: single nucleotide variant.
Coding change: c.1048A>G on transcript NM_020166.5 (MANE Select); coding-DNA position 1048, A replaced by G.
Protein change: p.Ile350Val; replaces isoleucine 350 with valine.
Molecular consequence: missense variant. On other transcripts: non-coding transcript variant (2).
Genome position (GRCh38, 1-based): chr3:183,045,448, T>C on the plus strand (A>G on the coding strand, the complement: MCCC1 is on the minus strand). VCF-style: chr3-183045448-T-C. GRCh37 (hg19) VCF-style: chr3-182763236-T-C.
Other names: c.697A>G, p.Ile233Val (NM_001293273.2); c.721A>G, p.Ile241Val (NM_001363880.1); short protein forms I233V, I241V, I350V.
Identifiers: ClinVar variation 989677 (VCV000989677.8), dbSNP rs965802215, ClinGen allele CA88708694.

ClinVar aggregate classification (germline): Uncertain significance. Review status: criteria provided, single submitter (1 of 4 stars). 2 submissions from 2 submitters: Uncertain significance (1). 1 of the submissions does not count toward it. Last evaluated 2024-04-10.

Conditions:
Methylcrotonyl-CoA carboxylase deficiency. Also called: 3 Methylcrotonylglycinuria; 3-MCC Deficiency; Deficiency of methylcrotonoyl-CoA carboxylase. Identifiers: Orphanet 6, MedGen C4551505, MONDO:0018950.
3-methylcrotonyl-CoA carboxylase 1 deficiency (MCC1D). Also called: MCC 1 deficiency; 3 Alpha methylcrotonylglycinuria 1; MCCD TYPE 1; METHYLCROTONYLGLYCINURIA TYPE I. Identifiers: Orphanet 6, MedGen CN028786, MONDO:0008861, OMIM 210200.

Allele frequency attached by ClinVar (database versions not stated): gnomAD exomes below 0.00001 and 0.00001.
gnomAD v4.1: 5 of 1,614,150 alleles (0.00031%); highest among the groups gnomAD compares: Admixed American, 0.0083%; no homozygotes.

Submissions (2):

Labcorp Genetics (formerly Invitae), Labcorp
Classification: Uncertain significance for 3-methylcrotonyl-CoA carboxylase 1 deficiency. Last evaluated: 2024-04-10. Review status: criteria provided, single submitter. Criteria: Invitae Variant Classification Sherloc (09022015). Collection method: clinical testing. Allele origin: germline.
Comment: This sequence change replaces isoleucine, which is neutral and non-polar, with valine, which is neutral and non-polar, at codon 350 of the MCCC1 protein (p.Ile350Val). This variant is present in population databases (no rsID available, gnomAD 0.006%). This variant has not been reported in the literature in individuals affected with MCCC1-related conditions. ClinVar contains an entry for this variant (Variation ID: 989677). Advanced modeling of protein sequence and biophysical properties (such as structural, functional, and spatial information, amino acid conservation, physicochemical variation, residue mobility, and thermodynamic stability) performed at Invitae indicates that this missense variant is not expected to disrupt MCCC1 protein function with a negative predictive value of 95%. In summary, the available evidence is currently insufficient to determine the role of this variant in disease. Therefore, it has been classified as a Variant of Uncertain Significance.

Natera, Inc.
Classification: Uncertain significance for 3-methylcrotonylglycinuria. Last evaluated: 2020-09-16. Review status: no assertion criteria provided. Collection method: clinical testing. Allele origin: germline. Not counted in ClinVar's aggregate classification.